The following is an entry in ClinVar:

NM_024426.6(WT1):c.866T>C (p.Leu289Pro)

Gene: WT1 (WT1 transcription factor; minus strand). Cytogenetic location: 11p13.
Variant type: single nucleotide variant.
Coding change: c.866T>C on transcript NM_024426.6 (MANE Select); coding-DNA position 866, T replaced by C.
Protein change: p.Leu289Pro; replaces leucine 289 with proline.
Molecular consequence: missense variant. On other transcripts: non-coding transcript variant (1).
Genome position (GRCh38, 1-based): chr11:32,427,977, A>G on the plus strand (T>C on the coding strand, the complement: WT1 is on the minus strand). VCF-style: chr11-32427977-A-G. GRCh37 (hg19) VCF-style: chr11-32449523-A-G.
Other names: c.866T>C, p.Leu289Pro (NM_000378.6, NM_001407044.1, NM_001407045.1 and 4 more transcripts); c.215T>C, p.Leu72Pro (NM_001198551.2, NM_001198552.2); c.743T>C, p.Leu248Pro (NM_001407047.1, NM_001407050.1); c.104T>C, p.Leu35Pro (NM_001407051.1); c.851T>C, p.Leu284Pro (NM_024425.2); short protein forms L72P, L289P, L284P, L248P, L35P.
Identifiers: ClinVar variation 1470565 (VCV001470565.9), dbSNP rs2133072199, ClinGen allele CA379962853.

ClinVar aggregate classification (germline): Uncertain significance (1 of 4 stars; one submission).

Conditions:
Drash syndrome (DDS). Also called: WILMS TUMOR AND PSEUDO- OR TRUE HERMAPHRODITISM; NEPHROPATHY, WILMS TUMOR, AND GENITAL ANOMALIES. Identifiers: Orphanet 220, MedGen C0950121, MONDO:0008682, OMIM 194080.
Wilms tumor 1 (WT1). Also called: Wilms tumor, somatic. Identifiers: Orphanet 654, MedGen CN033288, MONDO:0008679, OMIM 194070.
11p partial monosomy syndrome (WAGR). Also called: WAGR Spectrum Disorder; CHROMOSOME 11p13 DELETION SYNDROME; WAGR Complex; WAGR syndrome. Identifiers: Orphanet 893, MedGen C0206115, MONDO:0008681, OMIM 194072.
Frasier syndrome. Identifiers: Orphanet 347, MedGen C0950122, MeSH D052159, MONDO:0007635, OMIM 136680.

Submission:

Labcorp Genetics (formerly Invitae), Labcorp
Classification: Uncertain significance for Wilms tumor 1; Drash syndrome; 11p partial monosomy syndrome; Frasier syndrome. Last evaluated: 2021-02-15. Review status: criteria provided, single submitter. Criteria: Invitae Variant Classification Sherloc (09022015). Collection method: clinical testing. Allele origin: germline.
Comment: In summary, the available evidence is currently insufficient to determine the role of this variant in disease. Therefore, it has been classified as a Variant of Uncertain Significance. Algorithms developed to predict the effect of missense changes on protein structure and function (SIFT, PolyPhen-2, Align-GVGD) all suggest that this variant is likely to be disruptive, but these predictions have not been confirmed by published functional studies and their clinical significance is uncertain. This variant has not been reported in the literature in individuals with WT1-related conditions. This variant is not present in population databases (ExAC no frequency). This sequence change replaces leucine with proline at codon 284 of the WT1 protein (p.Leu284Pro). The leucine residue is highly conserved and there is a moderate physicochemical difference between leucine and proline.